The following is an entry in ClinVar:

NM_000540.3(RYR1):c.1798G>T (p.Asp600Tyr)

Gene: RYR1 (ryanodine receptor 1; plus strand). Cytogenetic location: 19q13.2.
Variant type: single nucleotide variant.
Coding change: c.1798G>T on transcript NM_000540.3 (MANE Select); coding-DNA position 1798, G replaced by T.
Protein change: p.Asp600Tyr; replaces aspartic acid 600 with tyrosine.
Molecular consequence: missense variant.
Genome position (GRCh38, 1-based): chr19:38,457,503, G>T. VCF-style: chr19-38457503-G-T. GRCh37 (hg19) VCF-style: chr19-38948143-G-T.
Other names: c.1798G>T, p.Asp600Tyr (NM_001042723.2); short protein forms D600Y.
Identifiers: ClinVar variation 3773954 (VCV003773954.1).

ClinVar aggregate classification (germline): Uncertain significance (1 of 4 stars; one submission).

Submission:

GeneDx
Classification: Uncertain significance. Last evaluated: 2024-09-18. Review status: criteria provided, single submitter. Criteria: GeneDx Variant Classification Process June 2021. Collection method: clinical testing. Allele origin: germline. Affected: yes.
Comment: Not observed at significant frequency in large population cohorts (gnomAD); In silico analysis supports that this missense variant has a deleterious effect on protein structure/function; Has not been previously published as pathogenic or benign to our knowledge